The following is an entry in ClinVar:

NM_000384.3(APOB):c.2204T>C (p.Val735Ala)

Gene: APOB (apolipoprotein B; minus strand). Cytogenetic location: 2p24.1.
Variant type: single nucleotide variant.
Coding change: c.2204T>C on transcript NM_000384.3 (MANE Select); coding-DNA position 2204, T replaced by C.
Protein change: p.Val735Ala; replaces valine 735 with alanine.
Molecular consequence: missense variant.
Genome position (GRCh38, 1-based): chr2:21,026,828, A>G on the plus strand (T>C on the coding strand, the complement: APOB is on the minus strand). VCF-style: chr2-21026828-A-G. GRCh37 (hg19) VCF-style: chr2-21249700-A-G.
Other names: short protein forms V735A.
Identifiers: ClinVar variation 4686478 (VCV004686478.1).
Genomic context (GRCh38, chr2:21,026,828, plus strand): 5'-GATACTTCACAAATACACACCTGCTCATGTTTATCATCTTTGGTATAGCCAAAGTGGTCC[A>G]CTAAGACCTTAGAGACACCATCAGGAACTTGACCATTAACCCAGTACAAAGCTTTGTTGA-3'
Protein context (NP_000375.3, residues 725-745): QVPDGVSKVL[Val735Ala]DHFGYTKDDK

ClinVar aggregate classification (germline): Uncertain significance (1 of 4 stars; one submission).

Submission:

GeneDx
Classification: Uncertain significance. Last evaluated: 2025-07-18. Review status: criteria provided, single submitter. Criteria: GeneDx Variant Classification Process June 2021. Collection method: clinical testing. Allele origin: germline. Affected: yes.
Comment: Not observed at significant frequency in large population cohorts (gnomAD); In silico analysis suggests that this missense variant does not alter protein structure/function; Has not been previously published as pathogenic or benign to our knowledge